The following is an entry in ClinVar:

ClinVar aggregate classification (germline): Likely benign (0 of 4 stars; one submission).

Conditions:
KRT16-related disorder. Also called: KRT16-related condition.

Allele frequency attached by ClinVar (database versions not stated): ExAC 0.00003; gnomAD 0.00003; TOPMed 0.00004; gnomAD exomes 0.00010; ESP Exome Variant Server 0.00015.
gnomAD v4.1: 156 of 1,613,974 alleles (0.0097%); highest among the groups gnomAD compares: Non-Finnish European, 0.012%; no homozygotes.

Submission:

PreventionGenetics, part of Exact Sciences
Classification: Likely benign for KRT16-related condition. Last evaluated: 2019-08-09. Review status: no assertion criteria provided. Collection method: clinical testing. Allele origin: germline.
Comment: This variant is classified as likely benign based on ACMG/AMP sequence variant interpretation guidelines (Richards et al. 2015 PMID: 25741868, with internal and published modifications).

NM_005557.4(KRT16):c.934-9C>T

Gene: KRT16 (keratin 16; minus strand). Cytogenetic location: 17q21.2.
Variant type: single nucleotide variant.
Coding change: c.934-9C>T on transcript NM_005557.4 (MANE Select); 9 bases into the intron before coding-DNA position 934, C replaced by T.
Molecular consequence: intron variant.
Genome position (GRCh38, 1-based): chr17:41,610,988, G>A on the plus strand (C>T on the coding strand, the complement: KRT16 is on the minus strand). VCF-style: chr17-41610988-G-A. GRCh37 (hg19) VCF-style: chr17-39767240-G-A.
Identifiers: ClinVar variation 3034530 (VCV003034530.2), dbSNP rs373776227, ClinGen allele CA8563044.